The following is an entry in ClinVar:

ClinVar aggregate classification (germline): Benign/Likely benign. Review status: criteria provided, multiple submitters, no conflicts (2 of 4 stars). 4 submissions from 4 submitters: Benign (1); Likely benign (3). Last evaluated 2025-01-28.

Conditions:
Hereditary nonpolyposis colorectal neoplasms. Identifiers: MedGen C0009405, MeSH D003123.
Hereditary cancer-predisposing syndrome. Also called: Hereditary Cancer Syndrome; Neoplastic Syndromes, Hereditary; Tumor predisposition; Hereditary neoplastic syndrome. Identifiers: Orphanet 140162, MedGen C0027672, MeSH D009386, MONDO:0015356.
Lynch syndrome 4 (LYNCH4). Also called: Hereditary non-polyposis colorectal cancer, type 4; Colorectal cancer, hereditary nonpolyposis, type 4. Identifiers: Orphanet 144, MedGen C1838333, MONDO:0013699, OMIM 614337. Disease mechanism: loss of function.

Allele frequency attached by ClinVar (database versions not stated): gnomAD exomes below 0.00001.

Submissions (4):

Myriad Genetics, Inc.
Classification: Benign for Lynch syndrome 4. Last evaluated: 2025-01-28. Review status: criteria provided, single submitter. Criteria: Myriad Autosomal Dominant, Autosomal Recessive and X-Linked Classification Criteria (2023). Collection method: clinical testing. Allele origin: unknown.
Comment: This variant is considered benign. This variant is a silent/synonymous amino acid change and it is not expected to impact splicing.

Color Diagnostics, LLC DBA Color Health
Classification: Likely benign for Hereditary cancer-predisposing syndrome. Last evaluated: 2024-03-31. Review status: criteria provided, single submitter. Criteria: ACMG Guidelines, 2015. Collection method: clinical testing. Allele origin: germline.

Labcorp Genetics (formerly Invitae), Labcorp
Classification: Likely benign for Hereditary nonpolyposis colorectal neoplasms. Last evaluated: 2023-08-18. Review status: criteria provided, single submitter. Criteria: Invitae Variant Classification Sherloc (09022015). Collection method: clinical testing. Allele origin: germline.

Ambry Genetics
Classification: Likely benign for Hereditary cancer-predisposing syndrome. Last evaluated: 2022-03-02. Review status: criteria provided, single submitter. Criteria: Ambry Variant Classification Scheme 2023. Collection method: clinical testing. Allele origin: germline.

NM_000535.7(PMS2):c.708G>A (p.Leu236=)

Gene: PMS2 (PMS1 homolog 2, mismatch repair system component; minus strand). Cytogenetic location: 7p22.1.
Variant type: single nucleotide variant.
Coding change: c.708G>A on transcript NM_000535.7 (MANE Select); coding-DNA position 708, G replaced by A.
Protein change: p.Leu236=; no amino-acid change (leucine 236 retained).
Molecular consequence: synonymous variant. On other transcripts: 5 prime UTR variant (2), non-coding transcript variant (1).
Genome position (GRCh38, 1-based): chr7:5,997,421, C>T on the plus strand (G>A on the coding strand, the complement: PMS2 is on the minus strand). VCF-style: chr7-5997421-C-T. GRCh37 (hg19) VCF-style: chr7-6037052-C-T.
Other names: c.303G>A, p.Leu101= (NM_001322003.2, NM_001322004.2, NM_001322005.2 and 2 more transcripts); c.708G>A, p.Leu236= (NM_001322006.2, NM_001322014.2); c.390G>A, p.Leu130= (NM_001322007.2, NM_001322008.2); c.-226G>A (NM_001322011.2, NM_001322012.2); c.135G>A, p.Leu45= (NM_001322013.2); c.399G>A, p.Leu133= (NM_001322015.2).
Identifiers: ClinVar variation 1636189 (VCV001636189.12), dbSNP rs201395630, ClinGen allele CA453646219.